The following is an entry in ClinVar:

ClinVar aggregate classification (germline): Uncertain significance (1 of 4 stars; one submission).

Conditions:
Salla disease (SD). Also called: Sialuria, Finnish type; N-acetylneuraminic acid (NANA) storage disease (NSD); Infantile sialic acid storage disorder (ISSD); Less Severe FSASD (Salla Disease). Identifiers: Orphanet 309334, Orphanet 834, MedGen C1096903, MONDO:0011449, OMIM 604369.

Allele frequency attached by ClinVar (database versions not stated): gnomAD 0.00002; gnomAD exomes 0.00002 and 0.00001; ESP Exome Variant Server 0.00008; TOPMed below 0.00001.
gnomAD v4.1: 35 of 1,613,828 alleles (0.0022%); highest among the groups gnomAD compares: Admixed American, 0.0033%; no homozygotes.

Submission:

Labcorp Genetics (formerly Invitae), Labcorp
Classification: Uncertain significance for Salla disease. Last evaluated: 2021-10-25. Review status: criteria provided, single submitter. Criteria: Invitae Variant Classification Sherloc (09022015). Collection method: clinical testing. Allele origin: germline.
Comment: This sequence change replaces proline with leucine at codon 281 of the SLC17A5 protein (p.Pro281Leu). The proline residue is highly conserved and there is a moderate physicochemical difference between proline and leucine. This variant is not present in population databases (ExAC no frequency). This variant has not been reported in the literature in individuals with SLC17A5-related disease. Algorithms developed to predict the effect of missense changes on protein structure and function (SIFT, PolyPhen-2, Align-GVGD) all suggest that this variant is likely to be disruptive, but these predictions have not been confirmed by published functional studies and their clinical significance is uncertain. In summary, the available evidence is currently insufficient to determine the role of this variant in disease. Therefore, it has been classified as a Variant of Uncertain Significance.

NM_012434.5(SLC17A5):c.842C>T (p.Pro281Leu)

Gene: SLC17A5 (solute carrier family 17 member 5; minus strand). Cytogenetic location: 6q13.
Variant type: single nucleotide variant.
Coding change: c.842C>T on transcript NM_012434.5 (MANE Select); coding-DNA position 842, C replaced by T.
Protein change: p.Pro281Leu; replaces proline 281 with leucine.
Molecular consequence: missense variant. On other transcripts: intron variant (1).
Genome position (GRCh38, 1-based): chr6:73,621,940, G>A on the plus strand (C>T on the coding strand, the complement: SLC17A5 is on the minus strand). VCF-style: chr6-73621940-G-A. GRCh37 (hg19) VCF-style: chr6-74331663-G-A.
Other names: c.611C>T, p.Pro204Leu (NM_001382629.1); c.842C>T, p.Pro281Leu (NM_001382630.1, NM_001382633.1); c.863C>T, p.Pro288Leu (NM_001382631.1); c.755C>T, p.Pro252Leu (NM_001382632.1); c.839C>T, p.Pro280Leu (NM_001382635.1); c.524C>T, p.Pro175Leu (NM_001382636.1); c.820-6493C>T (NM_001382634.1); short protein forms P175L, P204L, P281L, P252L, P280L, P288L.
Identifiers: ClinVar variation 1400034 (VCV001400034.3), dbSNP rs138041282, ClinGen allele CA140963251.